The following is an entry in ClinVar:

NM_020338.4(ZMIZ1):c.2701T>C (p.Phe901Leu)

Gene: ZMIZ1 (zinc finger MIZ-type containing 1; plus strand). Cytogenetic location: 10q22.3.
Variant type: single nucleotide variant.
Coding change: c.2701T>C on transcript NM_020338.4 (MANE Select); coding-DNA position 2701, T replaced by C.
Protein change: p.Phe901Leu; replaces phenylalanine 901 with leucine.
Molecular consequence: missense variant.
Genome position (GRCh38, 1-based): chr10:79,307,437, T>C. VCF-style: chr10-79307437-T-C. GRCh37 (hg19) VCF-style: chr10-81067194-T-C.
Other names: c.2701T>C (NM_020338.3); short protein forms F901L.
Identifiers: ClinVar variation 2957688 (VCV002957688.4), dbSNP rs754951575, ClinGen allele CA5573096.

ClinVar aggregate classification (germline): Uncertain significance. Review status: criteria provided, multiple submitters, no conflicts (2 of 4 stars). 2 submissions from 2 submitters: Uncertain significance (2). Last evaluated 2024-05-14.

Conditions:
Inborn genetic diseases. Identifiers: MedGen C0950123, MeSH D030342.

Allele frequency attached by ClinVar (database versions not stated): gnomAD exomes 0.00001; ExAC 0.00002; TOPMed 0.00002.
gnomAD v4.1: 7 of 1,611,796 alleles (0.00043%); highest among the groups gnomAD compares: Admixed American, 0.01%; no homozygotes.

Submissions (2):

Ambry Genetics
Classification: Uncertain significance for Inborn genetic diseases. Last evaluated: 2024-05-14. Review status: criteria provided, single submitter. Criteria: Ambry Variant Classification Scheme 2023. Collection method: clinical testing. Allele origin: germline.

Labcorp Genetics (formerly Invitae), Labcorp
Classification: Uncertain significance. Last evaluated: 2023-10-14. Review status: criteria provided, single submitter. Criteria: Invitae Variant Classification Sherloc (09022015). Collection method: clinical testing. Allele origin: germline.
Comment: This sequence change replaces phenylalanine, which is neutral and non-polar, with leucine, which is neutral and non-polar, at codon 901 of the ZMIZ1 protein (p.Phe901Leu). This variant is present in population databases (rs754951575, gnomAD 0.02%). This variant has not been reported in the literature in individuals affected with ZMIZ1-related conditions. Advanced modeling of protein sequence and biophysical properties (such as structural, functional, and spatial information, amino acid conservation, physicochemical variation, residue mobility, and thermodynamic stability) performed at Invitae indicates that this missense variant is not expected to disrupt ZMIZ1 protein function. In summary, the available evidence is currently insufficient to determine the role of this variant in disease. Therefore, it has been classified as a Variant of Uncertain Significance.